The following is an entry in ClinVar:

NM_022356.4(P3H1):c.1429G>A (p.Val477Ile)

Gene: P3H1 (prolyl 3-hydroxylase 1; minus strand). Cytogenetic location: 1p34.2.
Variant type: single nucleotide variant.
Coding change: c.1429G>A on transcript NM_022356.4 (MANE Select); coding-DNA position 1429, G replaced by A.
Protein change: p.Val477Ile; replaces valine 477 with isoleucine.
Molecular consequence: missense variant.
Genome position (GRCh38, 1-based): chr1:42,752,581, C>T on the plus strand (G>A on the coding strand, the complement: P3H1 is on the minus strand). VCF-style: chr1-42752581-C-T. GRCh37 (hg19) VCF-style: chr1-43218252-C-T.
Other names: c.1429G>A, p.Val477Ile (NM_001146289.2, NM_001243246.2); short protein forms V477I.
Identifiers: ClinVar variation 874644 (VCV000874644.11), dbSNP rs201170161, ClinGen allele CA801848.

ClinVar aggregate classification (germline): Uncertain significance. Review status: criteria provided, multiple submitters, no conflicts (2 of 4 stars). 3 submissions from 3 submitters: Uncertain significance (3). Last evaluated 2023-04-11.

Conditions:
Osteogenesis imperfecta type 8 (OI8). Identifiers: MedGen C1970458, MONDO:0012581, OMIM 610915.
Osteogenesis Imperfecta, Recessive.

Allele frequency attached by ClinVar (database versions not stated): ExAC 0.00004; gnomAD exomes 0.00006; gnomAD 0.00009 and 0.00011; TOPMed 0.00013; 1000 Genomes Project 30x 0.00016; 1000 Genomes Project 0.00020.

Submissions (3):

Genome-Nilou Lab
Classification: Uncertain significance for Osteogenesis imperfecta type 8. Last evaluated: 2023-04-11. Review status: criteria provided, single submitter. Criteria: ACMG Guidelines, 2015. Collection method: clinical testing. Allele origin: germline. Affected: no.

Labcorp Genetics (formerly Invitae), Labcorp
Classification: Uncertain significance for Osteogenesis imperfecta type 8. Last evaluated: 2022-02-03. Review status: criteria provided, single submitter. Criteria: Invitae Variant Classification Sherloc (09022015). Collection method: clinical testing. Allele origin: germline.
Comment: This sequence change replaces valine, which is neutral and non-polar, with isoleucine, which is neutral and non-polar, at codon 477 of the P3H1 protein (p.Val477Ile). This variant is present in population databases (rs201170161, gnomAD 0.03%). This variant has not been reported in the literature in individuals affected with P3H1-related conditions. ClinVar contains an entry for this variant (Variation ID: 874644). Algorithms developed to predict the effect of missense changes on protein structure and function are either unavailable or do not agree on the potential impact of this missense change (SIFT: "Deleterious"; PolyPhen-2: "Benign"; Align-GVGD: "Class C0"). In summary, the available evidence is currently insufficient to determine the role of this variant in disease. Therefore, it has been classified as a Variant of Uncertain Significance.

Illumina Laboratory Services, Illumina
Classification: Uncertain significance for Osteogenesis Imperfecta, Recessive. Last evaluated: 2017-04-27. Review status: criteria provided, single submitter. Criteria: ICSL Variant Classification Criteria 13 December 2019. Collection method: clinical testing. Allele origin: germline.